The following is an entry in ClinVar:

NM_005002.5(NDUFA9):c.896+196C>A

Gene: NDUFA9 (NADH:ubiquinone oxidoreductase subunit A9; plus strand). Cytogenetic location: 12p13.32.
Variant type: single nucleotide variant.
Coding change: c.896+196C>A on transcript NM_005002.5 (MANE Select); 196 bases into the intron after coding-DNA position 896, C replaced by A.
Molecular consequence: intron variant.
Genome position (GRCh38, 1-based): chr12:4,682,496, C>A. VCF-style: chr12-4682496-C-A. GRCh37 (hg19) VCF-style: chr12-4791662-C-A.
Identifiers: ClinVar variation 669511 (VCV000669511.1), dbSNP rs1029767, ClinGen allele CA13719542.

ClinVar aggregate classification (germline): Benign (1 of 4 stars; one submission).

Allele frequency attached by ClinVar (database versions not stated): gnomAD 0.19588 and 0.18326; 1000 Genomes Project 30x 0.29279; 1000 Genomes Project 0.29633; TOPMed 0.19506.
gnomAD v4.1: 29,787 of 152,200 alleles (20%); highest among the groups gnomAD compares: East Asian, 45%; 3,331 homozygotes.

Submission:

GeneDx
Classification: Benign. Last evaluated: 2018-06-14. Review status: criteria provided, single submitter. Criteria: GeneDx Variant Classification (06012015). Collection method: clinical testing. Allele origin: germline. Affected: yes.
Comment: This variant is considered likely benign or benign based on one or more of the following criteria: it is a conservative change, it occurs at a poorly conserved position in the protein, it is predicted to be benign by multiple in silico algorithms, and/or has population frequency not consistent with disease.